The following is an entry in ClinVar:

NM_001114753.3(ENG):c.991+2T>G

Gene: ENG (endoglin; minus strand). Cytogenetic location: 9q34.11.
Variant type: single nucleotide variant.
Coding change: c.991+2T>G on transcript NM_001114753.3 (MANE Select); the canonical splice donor site of the intron after coding-DNA position 991, T replaced by G.
Molecular consequence: splice donor variant.
Genome position (GRCh38, 1-based): chr9:127,824,798, A>C on the plus strand (T>G on the coding strand, the complement: ENG is on the minus strand). VCF-style: chr9-127824798-A-C. GRCh37 (hg19) VCF-style: chr9-130587077-A-C.
Other names: c.991+2T>G (NM_000118.4, NM_001406715.1); c.445+2T>G (NM_001278138.2).
Identifiers: ClinVar variation 662789 (VCV000662789.12), dbSNP rs1564455554, ClinGen allele CA374981834.

ClinVar aggregate classification (germline): Pathogenic (1 of 4 stars; one submission).

Conditions:
Hereditary hemorrhagic telangiectasia (HHT). Also called: ORW DISEASE; Osler Weber Rendu syndrome; OSLER-RENDU-WEBER DISEASE; Osler hemorrhagic telangiectasia syndrome. Identifiers: Orphanet 774, MedGen C0039445, MONDO:0019180. Disease mechanism: loss of function.

Submission:

Labcorp Genetics (formerly Invitae), Labcorp
Classification: Pathogenic for Hereditary hemorrhagic telangiectasia. Last evaluated: 2021-01-14. Review status: criteria provided, single submitter. Criteria: Invitae Variant Classification Sherloc (09022015). Collection method: clinical testing. Allele origin: germline.
Comment: Donor and acceptor splice site variants typically lead to a loss of protein function (PMID: 16199547), and loss-of-function variants in ENG are known to be pathogenic (PMID: 15879500, 20656886, 22385575). Algorithms developed to predict the effect of sequence changes on RNA splicing suggest that this variant may disrupt the consensus splice site, but this prediction has not been confirmed by published transcriptional studies. This variant has been observed in individuals affected with hereditary hemorrhagic telangiectasia (PMID: 16752392, Invitae). This variant is not present in population databases (ExAC no frequency). This sequence change affects a donor splice site in intron 7 of the ENG gene. It is expected to disrupt RNA splicing and likely results in an absent or disrupted protein product. For these reasons, this variant has been classified as Pathogenic.

Literature cited by the submitters: PubMed 16199547; PubMed 15879500; PubMed 20656886; PubMed 22385575; PubMed 16752392.